The following is an entry in ClinVar:

ClinVar aggregate classification (germline): Uncertain significance (1 of 4 stars; one submission).

Conditions:
Intellectual disability. Also called: Intellectual functioning disability; intellectual disabilities; Intellectual developmental disorder. Identifiers: MedGen C3714756, MeSH D008607, MONDO:0001071, HP:0001249.

Submission:

Labcorp Genetics (formerly Invitae), Labcorp
Classification: Uncertain significance for Intellectual disability. Last evaluated: 2025-12-15. Review status: criteria provided, single submitter. Criteria: Invitae Variant Classification Sherloc (09022015). Collection method: clinical testing. Allele origin: germline.
Comment: This sequence change replaces arginine, which is basic and polar, with glycine, which is neutral and non-polar, at codon 458 of the GABRB2 protein (p.Arg458Gly). This variant is not present in population databases (gnomAD no frequency). This variant has not been reported in the literature in individuals affected with GABRB2-related conditions. Invitae Evidence Modeling of protein sequence and biophysical properties (such as structural, functional, and spatial information, amino acid conservation, physicochemical variation, residue mobility, and thermodynamic stability) indicates that this missense variant is not expected to disrupt GABRB2 protein function with a negative predictive value of 95%. In summary, the available evidence is currently insufficient to determine the role of this variant in disease. Therefore, it has been classified as a Variant of Uncertain Significance.

NM_001371727.1(GABRB2):c.1372C>G (p.Arg458Gly)

Gene: GABRB2 (gamma-aminobutyric acid type A receptor subunit beta2; minus strand). Cytogenetic location: 5q34.
Variant type: single nucleotide variant.
Coding change: c.1372C>G on transcript NM_001371727.1 (MANE Select); coding-DNA position 1372, C replaced by G.
Protein change: p.Arg458Gly; replaces arginine 458 with glycine.
Molecular consequence: missense variant.
Genome position (GRCh38, 1-based): chr5:161,294,248, G>C on the plus strand (C>G on the coding strand, the complement: GABRB2 is on the minus strand). VCF-style: chr5-161294248-G-C. GRCh37 (hg19) VCF-style: chr5-160721255-G-C.
Other names: c.1258C>G, p.Arg420Gly (NM_000813.3); c.1372C>G, p.Arg458Gly (NM_021911.3); short protein forms R420G, R458G.
Identifiers: ClinVar variation 4801565 (VCV004801565.1).